The following is an entry in ClinVar:

NM_006506.5(RASA2):c.1045A>G (p.Ile349Val)

Gene: RASA2 (RAS p21 protein activator 2; plus strand). Cytogenetic location: 3q23.
Variant type: single nucleotide variant.
Coding change: c.1045A>G on transcript NM_006506.5 (MANE Select); coding-DNA position 1045, A replaced by G.
Protein change: p.Ile349Val; replaces isoleucine 349 with valine.
Molecular consequence: missense variant.
Genome position (GRCh38, 1-based): chr3:141,571,430, A>G. VCF-style: chr3-141571430-A-G. GRCh37 (hg19) VCF-style: chr3-141290272-A-G.
Other names: c.1045A>G (NM_006506.2); c.1045A>G, p.Ile349Val (NM_001303245.3, NM_001303246.3); short protein forms I349V.
Identifiers: ClinVar variation 1396050 (VCV001396050.9), dbSNP rs985431056, ClinGen allele CA2645409.

ClinVar aggregate classification (germline): Uncertain significance. Review status: criteria provided, multiple submitters, no conflicts (2 of 4 stars). 2 submissions from 2 submitters: Uncertain significance (2). Last evaluated 2024-08-19.

Allele frequency attached by ClinVar (database versions not stated): gnomAD exomes below 0.00001 and 0.00001; ExAC 0.00001; gnomAD 0.00003; TOPMed 0.00004.
gnomAD v4.1: 10 of 1,613,550 alleles (0.00062%); highest among the groups gnomAD compares: Admixed American, 0.01%; no homozygotes.

Submissions (2):

Ambry Genetics
Classification: Uncertain significance. Last evaluated: 2024-08-19. Review status: criteria provided, single submitter. Criteria: Ambry Variant Classification Scheme 2023. Collection method: clinical testing. Allele origin: germline.
Comment: The p.I349V variant (also known as c.1045A>G), located in coding exon 11 of the RASA2 gene, results from an A to G substitution at nucleotide position 1045. The isoleucine at codon 349 is replaced by valine, an amino acid with highly similar properties. This amino acid position is conserved. In addition, this alteration is predicted to be tolerated by in silico analysis. Based on the available evidence, the clinical significance of this variant remains unclear.

Labcorp Genetics (formerly Invitae), Labcorp
Classification: Uncertain significance. Last evaluated: 2021-05-31. Review status: criteria provided, single submitter. Criteria: Invitae Variant Classification Sherloc (09022015). Collection method: clinical testing. Allele origin: germline.
Comment: In summary, the available evidence is currently insufficient to determine the role of this variant in disease. Therefore, it has been classified as a Variant of Uncertain Significance. Algorithms developed to predict the effect of missense changes on protein structure and function (SIFT, PolyPhen-2, Align-GVGD) all suggest that this variant is likely to be tolerated, but these predictions have not been confirmed by published functional studies and their clinical significance is uncertain. This variant has not been reported in the literature in individuals with RASA2-related conditions. This variant is present in population databases (no rsID available, ExAC 0.009%). This sequence change replaces isoleucine with valine at codon 349 of the RASA2 protein (p.Ile349Val). The isoleucine residue is moderately conserved and there is a small physicochemical difference between isoleucine and valine.